The following is an entry in ClinVar:

NM_020822.3(KCNT1):c.2712C>T (p.Asn904=)

Gene: KCNT1 (potassium sodium-activated channel subfamily T member 1; plus strand). Cytogenetic location: 9q34.3.
Variant type: single nucleotide variant.
Coding change: c.2712C>T on transcript NM_020822.3 (MANE Select); coding-DNA position 2712, C replaced by T.
Protein change: p.Asn904=; no amino-acid change (asparagine 904 retained).
Molecular consequence: synonymous variant.
Genome position (GRCh38, 1-based): chr9:135,778,805, C>T. VCF-style: chr9-135778805-C-T. GRCh37 (hg19) VCF-style: chr9-138670651-C-T.
Other names: c.2577C>T, p.Asn859= (NM_001272003.2).
Identifiers: ClinVar variation 513904 (VCV000513904.18), dbSNP rs554237279, ClinGen allele CA5327396.

ClinVar aggregate classification (germline): Likely benign. Review status: criteria provided, multiple submitters, no conflicts (2 of 4 stars). 8 submissions from 7 submitters: Likely benign (7). 1 of the submissions does not count toward it. Last evaluated 2025-09-28.

Conditions:
Developmental and epileptic encephalopathy, 14 (DEE14). Also called: Early infantile epileptic encephalopathy 14. Identifiers: Orphanet 293181, MedGen C3554195, MONDO:0013989, OMIM 614959.
Autosomal dominant nocturnal frontal lobe epilepsy 5. Also called: Epilepsy, nocturnal frontal lobe, 5; KCNT1-Related Epilepsy; CILIARY DYSKINESIA, PRIMARY, 28, WITHOUT SITUS INVERSUS; CILIARY DYSKINESIA, PRIMARY, 28, WITH SITUS INVERSUS. Identifiers: Orphanet 98784, MedGen C3554306, MONDO:0014002, OMIM 615005.
KCNT1-related disorder. Also called: KCNT1-related condition.
Inborn genetic diseases. Identifiers: MedGen C0950123, MeSH D030342.

Allele frequency attached by ClinVar (database versions not stated): gnomAD 0.00002 and 0.00003; TOPMed 0.00002; gnomAD exomes 0.00004; ExAC 0.00007; 1000 Genomes Project 30x 0.00016; 1000 Genomes Project 0.00020.
gnomAD v4.1: 148 of 1,613,782 alleles (0.0092%); highest among the groups gnomAD compares: Middle Eastern, 0.12%; no homozygotes.

Submissions (8):

Labcorp Genetics (formerly Invitae), Labcorp
Classification: Likely benign for Autosomal dominant nocturnal frontal lobe epilepsy 5; Developmental and epileptic encephalopathy, 14. Last evaluated: 2025-09-28. Review status: criteria provided, single submitter. Criteria: Invitae Variant Classification Sherloc (09022015). Collection method: clinical testing. Allele origin: germline.

Blueprint Genetics
Classification: Likely benign. Last evaluated: 2024-01-19. Review status: criteria provided, single submitter. Criteria: ACMG Guidelines, 2015. Collection method: clinical testing. Allele origin: germline.

Genome-Nilou Lab
Classification: Likely benign for Developmental and epileptic encephalopathy, 14. Last evaluated: 2022-03-15. Review status: criteria provided, single submitter. Criteria: ACMG Guidelines, 2015. Collection method: clinical testing. Allele origin: germline. Affected: no.

Genome-Nilou Lab
Classification: Likely benign for Autosomal dominant nocturnal frontal lobe epilepsy 5. Last evaluated: 2022-03-15. Review status: criteria provided, single submitter. Criteria: ACMG Guidelines, 2015. Collection method: clinical testing. Allele origin: germline. Affected: no.

Ambry Genetics
Classification: Likely benign for Inborn genetic diseases. Last evaluated: 2020-03-26. Review status: criteria provided, single submitter. Criteria: Ambry Variant Classification Scheme 2023. Collection method: clinical testing. Allele origin: germline.

GeneDx
Classification: Likely benign. Last evaluated: 2017-12-11. Review status: criteria provided, single submitter. Criteria: GeneDx Variant Classification (06012015). Collection method: clinical testing. Allele origin: germline. Affected: yes.
Comment: This variant is considered likely benign or benign based on one or more of the following criteria: it is a conservative change, it occurs at a poorly conserved position in the protein, it is predicted to be benign by multiple in silico algorithms, and/or has population frequency not consistent with disease.

Breakthrough Genomics
Classification: Likely benign. Review status: criteria provided, single submitter. Criteria: ACMG Guidelines, 2015. Collection method: not provided. Allele origin: germline. Inheritance: Autosomal dominant inheritance. Affected: yes.

PreventionGenetics, part of Exact Sciences
Classification: Likely benign for KCNT1-related condition. Last evaluated: 2019-05-06. Review status: no assertion criteria provided. Collection method: clinical testing. Allele origin: germline. Not counted in ClinVar's aggregate classification.
Comment: This variant is classified as likely benign based on ACMG/AMP sequence variant interpretation guidelines (Richards et al. 2015 PMID: 25741868, with internal and published modifications).